The following is an entry in ClinVar:

NM_024649.5(BBS1):c.1516C>T (p.Gln506Ter)

Genes: BBS1 (Bardet-Biedl syndrome 1; plus strand), ZDHHC24 (zDHHC palmitoyltransferase 24; minus strand). Cytogenetic location: 11q13.2.
Variant type: single nucleotide variant.
Coding change: c.1516C>T on transcript NM_024649.5 (MANE Select); coding-DNA position 1516, C replaced by T.
Protein change: p.Gln506Ter; replaces glutamine 506 with a stop codon.
Molecular consequence: nonsense. On other transcripts: intron variant (1).
Genome position (GRCh38, 1-based): chr11:66,530,936, C>T. VCF-style: chr11-66530936-C-T. GRCh37 (hg19) VCF-style: chr11-66298407-C-T.
Other names: c.560-1448G>A (NM_001348571.2); short protein forms Q506*.
Identifiers: ClinVar variation 1451651 (VCV001451651.7), dbSNP rs2134836882, ClinGen allele CA381425209.

ClinVar aggregate classification (germline): Pathogenic/Likely pathogenic. Review status: criteria provided, multiple submitters, no conflicts (2 of 4 stars). 2 submissions from 2 submitters: Pathogenic (1); Likely pathogenic (1). Last evaluated 2025-10-03.

Conditions:
BBS1-related disorder. Also called: BBS1-related condition.
Bardet-Biedl syndrome (BBS). Identifiers: Orphanet 110, MedGen C0752166, MONDO:0015229.

Submissions (2):

PreventionGenetics, part of Exact Sciences
Classification: Likely pathogenic for BBS1-related condition. Last evaluated: 2025-10-03. Review status: criteria provided, single submitter. Criteria: ACMG Guidelines, 2015. Collection method: clinical testing. Allele origin: germline.
Comment: The BBS1 c.1516C>T variant is predicted to result in premature protein termination (p.Gln506*). To our knowledge, this variant has not been reported in the literature or in a large population database (gnomAD), indicating this variant is rare. Nonsense variants in BBS1 are expected to be pathogenic. This variant is interpreted as likely pathogenic.

Labcorp Genetics (formerly Invitae), Labcorp
Classification: Pathogenic for Bardet-Biedl syndrome. Last evaluated: 2021-03-01. Review status: criteria provided, single submitter. Criteria: Invitae Variant Classification Sherloc (09022015). Collection method: clinical testing. Allele origin: germline.
Comment: This sequence change creates a premature translational stop signal (p.Gln506*) in the BBS1 gene. It is expected to result in an absent or disrupted protein product. Loss-of-function variants in BBS1 are known to be pathogenic (PMID: 12118255). This variant is not present in population databases (ExAC no frequency). This variant has not been reported in the literature in individuals with BBS1-related conditions. For these reasons, this variant has been classified as Pathogenic.

Literature cited by the submitters: PubMed 12118255 (cited by Labcorp Genetics (formerly Invitae), Labcorp).